The following is an entry in ClinVar:

ClinVar aggregate classification (germline): Pathogenic (1 of 4 stars; one submission).

Conditions:
Dyskeratosis congenita, autosomal recessive 5 (DKCB5). Identifiers: MedGen C3554656, MONDO:0014076, OMIM 615190.
Pulmonary fibrosis and/or bone marrow failure, Telomere-related, 3. Also called: PULMONARY FIBROSIS AND/OR BONE MARROW FAILURE SYNDROME, TELOMERE-RELATED, 3. Identifiers: Orphanet 2032, MedGen C4225346, MONDO:0014613, OMIM 616373.

Submission:

Labcorp Genetics (formerly Invitae), Labcorp
Classification: Pathogenic for Dyskeratosis congenita, autosomal recessive 5; Pulmonary fibrosis and/or bone marrow failure, Telomere-related, 3. Last evaluated: 2019-12-25. Review status: criteria provided, single submitter. Criteria: Invitae Variant Classification Sherloc (09022015). Collection method: clinical testing. Allele origin: germline.
Comment: For these reasons, this variant has been classified as Pathogenic. Loss-of-function variants in RTEL1 are known to be pathogenic (PMID: 23453664, 23959892, 25607374). This variant has not been reported in the literature in individuals with RTEL1-related conditions. This variant is not present in population databases (ExAC no frequency). This sequence change creates a premature translational stop signal (p.Glu536*) in the RTEL1 gene. It is expected to result in an absent or disrupted protein product.

Literature cited by the submitters: PubMed 23453664; PubMed 23959892; PubMed 25607374.

NM_001283009.2(RTEL1):c.1606G>T (p.Glu536Ter)

Genes: RTEL1 (regulator of telomere elongation helicase 1; plus strand), RTEL1-TNFRSF6B (RTEL1-TNFRSF6B readthrough (NMD candidate); plus strand). Cytogenetic location: 20q13.33.
Variant type: single nucleotide variant.
Coding change: c.1606G>T on transcript NM_001283009.2 (MANE Select); coding-DNA position 1606, G replaced by T.
Protein change: p.Glu536Ter; replaces glutamic acid 536 with a stop codon.
Molecular consequence: nonsense. On other transcripts: non-coding transcript variant (1).
Genome position (GRCh38, 1-based): chr20:63,688,149, G>T. VCF-style: chr20-63688149-G-T. GRCh37 (hg19) VCF-style: chr20-62319502-G-T.
Other names: c.937G>T, p.Glu313Ter (NM_001283010.1); c.1606G>T, p.Glu536Ter (NM_016434.4); c.1678G>T, p.Glu560Ter (NM_032957.5); short protein forms E560*, E313*, E536*.
Identifiers: ClinVar variation 836446 (VCV000836446.12), dbSNP rs2090639016, ClinGen allele CA409676994.